The following is an entry in ClinVar:

NM_003718.5(CDK13):c.500C>G (p.Ala167Gly)

Gene: CDK13 (cyclin dependent kinase 13; plus strand). Cytogenetic location: 7p14.1.
Variant type: single nucleotide variant.
Coding change: c.500C>G on transcript NM_003718.5 (MANE Select); coding-DNA position 500, C replaced by G.
Protein change: p.Ala167Gly; replaces alanine 167 with glycine.
Molecular consequence: missense variant.
Genome position (GRCh38, 1-based): chr7:39,951,141, C>G. VCF-style: chr7-39951141-C-G. GRCh37 (hg19) VCF-style: chr7-39990740-C-G.
Other names: c.500C>G, p.Ala167Gly (NM_031267.4); short protein forms A167G.
Identifiers: ClinVar variation 4766930 (VCV004766930.3).
Genomic context (GRCh38, chr7:39,951,141, plus strand): 5'-AGGATGTGAGCTCCCAGTCCGAGCAGGGGCTGCTGCTGGGGGGGGCCAGCGCGGCAACGG[C>G]GGCGACGGCTGCCGGGGGAACGGGGGGCAGCGGCGGGAGTCCGGCCTCCTCCTCCGGCAC-3'
Protein context (NP_003709.3, residues 157-177): LLLGGASAAT[Ala167Gly]ATAAGGTGGS

ClinVar aggregate classification (germline): Uncertain significance. Review status: criteria provided, multiple submitters, no conflicts (2 of 4 stars). 2 submissions from 2 submitters: Uncertain significance (2). Last evaluated 2025-03-20.

Submissions (2):

Labcorp Genetics (formerly Invitae), Labcorp
Classification: Uncertain significance. Last evaluated: 2025-03-20. Review status: criteria provided, single submitter. Criteria: Invitae Variant Classification Sherloc (09022015). Collection method: clinical testing. Allele origin: germline.
Comment: This sequence change replaces alanine, which is neutral and non-polar, with glycine, which is neutral and non-polar, at codon 167 of the CDK13 protein (p.Ala167Gly). This variant is not present in population databases (gnomAD no frequency). This variant has not been reported in the literature in individuals affected with CDK13-related conditions. Invitae Evidence Modeling of protein sequence and biophysical properties (such as structural, functional, and spatial information, amino acid conservation, physicochemical variation, residue mobility, and thermodynamic stability) indicates that this missense variant is not expected to disrupt CDK13 protein function with a negative predictive value of 95%. In summary, the available evidence is currently insufficient to determine the role of this variant in disease. Therefore, it has been classified as a Variant of Uncertain Significance.

Dasa
Classification: Uncertain significance. Last evaluated: 2024-07-06. Review status: criteria provided, single submitter. Criteria: DASA Assertion Criteria. Collection method: clinical testing. Allele origin: germline.
Comment: NM_003718.5(CDK13):c.500C>G (p.Ala167Gly) is a missense variant that results in the substitution of alanine with glycine. This variant is rare in population databases. Computational prediction algorithms are consistent with a benign effect. The currently available literature and clinical evidence are not sufficient to establish a definitive association between this variant and the reported condition. Therefore, this variant is classified as a variant of uncertain significance.